The following is an entry in ClinVar:

ClinVar aggregate classification (germline): Uncertain significance (1 of 4 stars; one submission).

Conditions:
Hereditary cancer-predisposing syndrome. Also called: Neoplastic Syndromes, Hereditary; Hereditary Cancer Syndrome; Tumor predisposition; Hereditary neoplastic syndrome. Identifiers: Orphanet 140162, MedGen C0027672, MeSH D009386, MONDO:0015356.

Submission:

Ambry Genetics
Classification: Uncertain significance for Hereditary cancer-predisposing syndrome. Last evaluated: 2023-02-13. Review status: criteria provided, single submitter. Criteria: Ambry Variant Classification Scheme 2023. Collection method: clinical testing. Allele origin: germline.
Comment: The p.G986V variant (also known as c.2957G>T), located in coding exon 21 of the MSH3 gene, results from a G to T substitution at nucleotide position 2957. The glycine at codon 986 is replaced by valine, an amino acid with dissimilar properties. This amino acid position is conserved. In addition, this alteration is predicted to be deleterious by in silico analysis. Since supporting evidence is limited at this time, the clinical significance of this alteration remains unclear.

NM_002439.5(MSH3):c.2957G>T (p.Gly986Val)

Gene: MSH3 (mutS homolog 3; plus strand). Cytogenetic location: 5q14.1.
Variant type: single nucleotide variant.
Coding change: c.2957G>T on transcript NM_002439.5 (MANE Select); coding-DNA position 2957, G replaced by T.
Protein change: p.Gly986Val; replaces glycine 986 with valine.
Molecular consequence: missense variant.
Genome position (GRCh38, 1-based): chr5:80,854,273, G>T. VCF-style: chr5-80854273-G-T. GRCh37 (hg19) VCF-style: chr5-80150092-G-T.
Other names: short protein forms G986V.
Identifiers: ClinVar variation 2446929 (VCV002446929.2), dbSNP rs2478771924, ClinGen allele CA360275772.